The following is an entry in ClinVar:

ClinVar aggregate classification (germline): Uncertain significance (1 of 4 stars; one submission).

Allele frequency attached by ClinVar (database versions not stated): gnomAD exomes below 0.00001.
gnomAD v4.1: 1 of 1,572,864 alleles (0.000064%); highest among the groups gnomAD compares: Admixed American, 0.0018%; no homozygotes.

Submission:

Labcorp Genetics (formerly Invitae), Labcorp
Classification: Uncertain significance. Last evaluated: 2023-04-14. Review status: criteria provided, single submitter. Criteria: Invitae Variant Classification Sherloc (09022015). Collection method: clinical testing. Allele origin: germline.
Comment: An algorithm developed to predict the effect of missense changes on protein structure and function (PolyPhen-2) suggests that this variant is likely to be tolerated. ClinVar contains an entry for this variant (Variation ID: 2122233). This variant has not been reported in the literature in individuals affected with ZNF335-related conditions. This variant is present in population databases (no rsID available, gnomAD 0.004%). This sequence change replaces proline, which is neutral and non-polar, with alanine, which is neutral and non-polar, at codon 46 of the ZNF335 protein (p.Pro46Ala). In summary, the available evidence is currently insufficient to determine the role of this variant in disease. Therefore, it has been classified as a Variant of Uncertain Significance.

NM_022095.4(ZNF335):c.136C>G (p.Pro46Ala)

Gene: ZNF335 (zinc finger protein 335; minus strand). Cytogenetic location: 20q13.12.
Variant type: single nucleotide variant.
Coding change: c.136C>G on transcript NM_022095.4 (MANE Select); coding-DNA position 136, C replaced by G.
Protein change: p.Pro46Ala; replaces proline 46 with alanine.
Molecular consequence: missense variant.
Genome position (GRCh38, 1-based): chr20:45,971,275, G>C on the plus strand (C>G on the coding strand, the complement: ZNF335 is on the minus strand). VCF-style: chr20-45971275-G-C. GRCh37 (hg19) VCF-style: chr20-44599914-G-C.
Other names: short protein forms P46A.
Identifiers: ClinVar variation 2122233 (VCV002122233.4), dbSNP rs1341906200, ClinGen allele CA409198899.